The following is an entry in ClinVar:

ClinVar aggregate classification (germline): Conflicting classifications of pathogenicity. Review status: criteria provided, conflicting classifications (1 of 4 stars). 9 submissions from 9 submitters: Uncertain significance (2); Likely benign (5). 2 of the submissions do not count toward it. Last evaluated 2026-09-01.

Conditions:
Mucolipidosis type IV (ML4). Also called: ML IV. Identifiers: Orphanet 578, MedGen C0238286, MONDO:0009653, OMIM 252650.
Lisch epithelial corneal dystrophy (LECD). Also called: BAND-SHAPED AND WHORLED MICROCYSTIC CORNEAL EPITHELIAL DYSTROPHY. Identifiers: Orphanet 98955, MedGen C2749050, MONDO:0010425, OMIM 620763.
MCOLN1-related disorder. Also called: MCOLN1-related condition.

Allele frequency attached by ClinVar (database versions not stated): gnomAD 0.00042 and 0.00045; TOPMed 0.00043; 1000 Genomes Project 30x 0.00047; gnomAD exomes 0.00049 and 0.00055; ExAC 0.00051; ESP Exome Variant Server 0.00054; 1000 Genomes Project 0.00060.

Submissions (9):

CeGaT Center for Human Genetics Tuebingen
Classification: Likely benign. Last evaluated: 2026-09-01. Review status: criteria provided, single submitter. Criteria: CeGaT Center For Human Genetics Tuebingen Variant Classification Criteria Version 2. Collection method: clinical testing. Allele origin: germline. Affected: yes. Observed: 1 variant allele.
Comment: MCOLN1: BP4

Labcorp Genetics (formerly Invitae), Labcorp
Classification: Likely benign for Mucolipidosis type IV. Last evaluated: 2026-02-04. Review status: criteria provided, single submitter. Criteria: Invitae Variant Classification Sherloc (09022015). Collection method: clinical testing. Allele origin: germline.

GeneDx
Classification: Uncertain significance. Last evaluated: 2025-06-10. Review status: criteria provided, single submitter. Criteria: GeneDx Variant Classification Process June 2021. Collection method: clinical testing. Allele origin: germline. Affected: yes.
Comment: In silico analysis suggests that this missense variant does not alter protein structure/function; Has not been previously published as pathogenic or benign to our knowledge

Department of Pathology and Laboratory Medicine, Sinai Health System
Classification: Uncertain significance for Mucolipidosis type IV; Lisch epithelial corneal dystrophy. Last evaluated: 2023-03-08. Review status: criteria provided, single submitter. Criteria: ACMG Guidelines, 2015. Collection method: research. Allele origin: germline.

Genome-Nilou Lab
Classification: Likely benign for Mucolipidosis type IV. Last evaluated: 2021-07-14. Review status: criteria provided, single submitter. Criteria: ACMG Guidelines, 2015. Collection method: clinical testing. Allele origin: germline. Affected: no.

Illumina Laboratory Services, Illumina
Classification: Likely benign for Mucolipidosis type IV. Last evaluated: 2017-08-01. Review status: criteria provided, single submitter. Criteria: ICSL Variant Classification Criteria 13 December 2019. Collection method: clinical testing. Allele origin: germline.
Comment: This variant was observed as part of a predisposition screen in an ostensibly healthy population. A literature search was performed for the gene, cDNA change, and amino acid change (where applicable). No publications were found based on this search. Allele frequency data from public databases allowed determination this variant is unlikely to cause disease. Therefore, this variant is classified as likely benign.

Breakthrough Genomics
Classification: Likely benign. Review status: criteria provided, single submitter. Criteria: ACMG Guidelines, 2015. Collection method: not provided. Allele origin: germline. Inheritance: Autosomal recessive inheritance. Affected: yes.

PreventionGenetics, part of Exact Sciences
Classification: Likely benign for MCOLN1-related condition. Last evaluated: 2022-03-09. Review status: no assertion criteria provided. Collection method: clinical testing. Allele origin: germline. Not counted in ClinVar's aggregate classification.
Comment: This variant is classified as likely benign based on ACMG/AMP sequence variant interpretation guidelines (Richards et al. 2015 PMID: 25741868, with internal and published modifications).

Natera, Inc.
Classification: Likely benign for Mucolipidosis type IV. Last evaluated: 2020-05-04. Review status: no assertion criteria provided. Collection method: clinical testing. Allele origin: germline. Not counted in ClinVar's aggregate classification.

NM_020533.3(MCOLN1):c.305G>A (p.Arg102Gln)

Gene: MCOLN1 (mucolipin TRP cation channel 1; plus strand). Cytogenetic location: 19p13.2.
Variant type: single nucleotide variant.
Coding change: c.305G>A on transcript NM_020533.3 (MANE Select); coding-DNA position 305, G replaced by A.
Protein change: p.Arg102Gln; replaces arginine 102 with glutamine.
Molecular consequence: missense variant.
Genome position (GRCh38, 1-based): chr19:7,526,506, G>A. VCF-style: chr19-7526506-G-A. GRCh37 (hg19) VCF-style: chr19-7591392-G-A.
Other names: short protein forms R102Q.
Identifiers: ClinVar variation 780173 (VCV000780173.25), dbSNP rs139377969, ClinGen allele CA9138686.